The following is an entry in ClinVar:

ClinVar aggregate classification (germline): Benign/Likely benign. Review status: criteria provided, multiple submitters, no conflicts (2 of 4 stars). 11 submissions from 11 submitters: Benign (7); Likely benign (1). 3 of the submissions do not count toward it. Last evaluated 2026-08-01.

Conditions:
PIGN-related disorder. Also called: PIGN-related condition.
Inborn genetic diseases. Identifiers: MedGen C0950123, MeSH D030342.
Multiple congenital anomalies-hypotonia-seizures syndrome 1 (MCAHS1). Also called: PIGN-CDG; Congenital disorder of glycosylation due to PIGN deficiency; GLYCOSYLPHOSPHATIDYLINOSITOL BIOSYNTHESIS DEFECT 3. Identifiers: Orphanet 280633, MedGen C3279775, MONDO:0013563, OMIM 614080.

Allele frequency attached by ClinVar (database versions not stated): 1000 Genomes Project 30x 0.00375; 1000 Genomes Project 0.00439; TOPMed 0.00692; ESP Exome Variant Server 0.00953; gnomAD 0.01073 and 0.01101; ExAC 0.01201; gnomAD exomes 0.01234 and 0.01242.
gnomAD v4.1: 19,627 of 1,613,728 alleles (1.2%); highest among the groups gnomAD compares: Non-Finnish European, 1.3%; 212 homozygotes.

Submissions (11):

CeGaT Center for Human Genetics Tuebingen
Classification: Benign. Last evaluated: 2026-08-01. Review status: criteria provided, single submitter. Criteria: CeGaT Center For Human Genetics Tuebingen Variant Classification Criteria Version 2. Collection method: clinical testing. Allele origin: germline. Affected: yes. Observed: 41 variant alleles.
Comment: PIGN: BS1, BS2

Labcorp Genetics (formerly Invitae), Labcorp
Classification: Benign for Multiple congenital anomalies-hypotonia-seizures syndrome 1. Last evaluated: 2026-02-03. Review status: criteria provided, single submitter. Criteria: Invitae Variant Classification Sherloc (09022015). Collection method: clinical testing. Allele origin: germline.

Blueprint Genetics
Classification: Likely benign. Last evaluated: 2024-11-28. Review status: criteria provided, single submitter. Criteria: ACMG Guidelines, 2015. Collection method: clinical testing. Allele origin: germline.

Mayo Clinic Laboratories, Mayo Clinic
Classification: Benign. Last evaluated: 2021-11-04. Review status: criteria provided, single submitter. Criteria: ACMG Guidelines, 2015. Collection method: clinical testing. Allele origin: germline. Observed: 7 variant alleles.

GeneDx
Classification: Benign. Last evaluated: 2018-07-09. Review status: criteria provided, single submitter. Criteria: GeneDx Variant Classification Process June 2021. Collection method: clinical testing. Allele origin: germline. Affected: yes.

Athena Diagnostics
Classification: Benign. Last evaluated: 2017-07-11. Review status: criteria provided, single submitter. Criteria: Athena Diagnostics Criteria. Collection method: clinical testing. Allele origin: germline.

Ambry Genetics
Classification: Benign for Inborn genetic diseases. Last evaluated: 2016-06-21. Review status: criteria provided, single submitter. Criteria: Ambry Variant Classification Scheme 2023. Collection method: clinical testing. Allele origin: germline.

Breakthrough Genomics
Classification: Benign. Review status: criteria provided, single submitter. Criteria: ACMG Guidelines, 2015. Collection method: not provided. Allele origin: germline. Inheritance: Autosomal recessive inheritance. Affected: yes.

PreventionGenetics, part of Exact Sciences
Classification: Benign for PIGN-related condition. Last evaluated: 2019-04-23. Review status: no assertion criteria provided. Collection method: clinical testing. Allele origin: germline. Not counted in ClinVar's aggregate classification.
Comment: This variant is classified as benign based on ACMG/AMP sequence variant interpretation guidelines (Richards et al. 2015 PMID: 25741868, with internal and published modifications).

Genome Diagnostics Laboratory, University Medical Center Utrecht
Classification: Benign. Review status: no assertion criteria provided. Collection method: clinical testing. Allele origin: germline. Affected: yes. Study: VKGL Data-share Consensus. Not counted in ClinVar's aggregate classification.

Laboratory of Diagnostic Genome Analysis, Leiden University Medical Center (LUMC)
Classification: Likely benign. Review status: no assertion criteria provided. Collection method: clinical testing. Allele origin: germline. Affected: yes. Study: VKGL Data-share Consensus. Not counted in ClinVar's aggregate classification.

NM_176787.5(PIGN):c.167C>T (p.Ala56Val)

Gene: PIGN (phosphatidylinositol glycan anchor biosynthesis class N; minus strand). Cytogenetic location: 18q21.33.
Variant type: single nucleotide variant.
Coding change: c.167C>T on transcript NM_176787.5 (MANE Select); coding-DNA position 167, C replaced by T.
Protein change: p.Ala56Val; replaces alanine 56 with valine.
Molecular consequence: missense variant.
Genome position (GRCh38, 1-based): chr18:62,161,187, G>A on the plus strand (C>T on the coding strand, the complement: PIGN is on the minus strand). VCF-style: chr18-62161187-G-A. GRCh37 (hg19) VCF-style: chr18-59828420-G-A.
Other names: c.167C>T, p.Ala56Val (NM_012327.6); short protein forms A56V.
Identifiers: ClinVar variation 447939 (VCV000447939.51), dbSNP rs61755362, ClinGen allele CA8982651.